The following is an entry in ClinVar:

NM_000051.4(ATM):c.1734A>T (p.Lys578Asn)

Gene: ATM (ATM serine/threonine kinase; plus strand). Cytogenetic location: 11q22.3.
Variant type: single nucleotide variant.
Coding change: c.1734A>T on transcript NM_000051.4 (MANE Select); coding-DNA position 1734, A replaced by T.
Protein change: p.Lys578Asn; replaces lysine 578 with asparagine.
Molecular consequence: missense variant.
Genome position (GRCh38, 1-based): chr11:108,251,963, A>T. VCF-style: chr11-108251963-A-T. GRCh37 (hg19) VCF-style: chr11-108122690-A-T.
Other names: c.1734A>T, p.Lys578Asn (NM_001351834.2); short protein forms K578N.
Identifiers: ClinVar variation 819965 (VCV000819965.4), dbSNP rs1555071939, ClinGen allele CA382535313.

ClinVar aggregate classification (germline): Uncertain significance (1 of 4 stars; one submission).

Conditions:
Hereditary cancer-predisposing syndrome. Also called: Neoplastic Syndromes, Hereditary; Tumor predisposition; Hereditary Cancer Syndrome; Hereditary neoplastic syndrome. Identifiers: Orphanet 140162, MedGen C0027672, MeSH D009386, MONDO:0015356.

Submission:

Ambry Genetics
Classification: Uncertain significance for Hereditary cancer-predisposing syndrome. Last evaluated: 2018-09-21. Review status: criteria provided, single submitter. Criteria: Ambry Variant Classification Scheme 2023. Collection method: clinical testing. Allele origin: germline.
Comment: The p.K578N variant (also known as c.1734A>T), located in coding exon 10 of the ATM gene, results from an A to T substitution at nucleotide position 1734. The lysine at codon 578 is replaced by asparagine, an amino acid with similar properties. This amino acid position is not well conserved in available vertebrate species. In addition, this alteration is predicted to be tolerated by in silico analysis. Since supporting evidence is limited at this time, the clinical significance of this alteration remains unclear.